The following is an entry in ClinVar:

ClinVar aggregate classification (germline): Uncertain significance (1 of 4 stars; one submission).

Conditions:
Malignant hyperthermia, susceptibility to, 1 (MHS1). Also called: Anesthesia related hyperthermia; Malignant hyperpyrexia; Fulminating hyperpyrexia; Pharmacogenic myopathy; RYR1-Related Malignant Hyperthermia Susceptibility; Malignant hyperthermia suceptibility 1. Identifiers: Orphanet 423, MedGen C2930980, MONDO:0007783, OMIM 145600.

Submission:

All of Us Research Program, National Institutes of Health
Classification: Uncertain significance for Malignant hyperthermia, susceptibility to, 1. Last evaluated: 2024-07-20. Review status: criteria provided, single submitter. Criteria: ACMG Guidelines, 2015. Collection method: clinical testing. Allele origin: germline. Inheritance: Autosomal dominant inheritance. Observed: 2 variant alleles, 2 heterozygotes.
Comment: This missense variant replaces glutamic acid with glutamine at codon 2157 of the RYR1 protein. Computational prediction is inconclusive regarding the impact of this variant on protein structure and function (internally defined REVEL score threshold 0.5 < inconclusive < 0.7, PMID: 27666373). To our knowledge, functional studies have not been reported for this variant. This variant has not been reported in individuals affected with RYR1-related disorders in the literature. This variant has not been identified in the general population by the Genome Aggregation Database (gnomAD). The available evidence is insufficient to determine the role of this variant in disease conclusively. Therefore, this variant is classified as a Variant of Uncertain Significance.

This study involves interpretation of variants in research participants for the purpose of population health screening. Participant phenotype was not available at the time of variant classification. Additional details can be found in publication PMID: 35346344, PMCID: PMC8962531

NM_000540.3(RYR1):c.6469G>C (p.Glu2157Gln)

Gene: RYR1 (ryanodine receptor 1; plus strand). Cytogenetic location: 19q13.2.
Variant type: single nucleotide variant.
Coding change: c.6469G>C on transcript NM_000540.3 (MANE Select); coding-DNA position 6469, G replaced by C.
Protein change: p.Glu2157Gln; replaces glutamic acid 2157 with glutamine.
Molecular consequence: missense variant.
Genome position (GRCh38, 1-based): chr19:38,494,546, G>C. VCF-style: chr19-38494546-G-C. GRCh37 (hg19) VCF-style: chr19-38985186-G-C.
Other names: c.6469G>C, p.Glu2157Gln (NM_001042723.2); short protein forms E2157Q.
Identifiers: ClinVar variation 3073812 (VCV003073812.2), dbSNP rs554066182, ClinGen allele CA405664230.
Genomic context (GRCh38, chr19:38,494,546, plus strand): 5'-GCCCTGCCGCGGGCGTACACCATCTCACCGTCCTCCGTGGAAGACACCATGAGCCTGCTC[G>C]AGTGCCTCGGCCAGATCCGCTCGCTGCTCATCGTGCAGATGGGCCCCCAGGAGGAGAACC-3'
Protein context (NP_000531.2, residues 2147-2167): SSVEDTMSLL[Glu2157Gln]CLGQIRSLLI